The following is an entry in ClinVar:

NM_001145715.3(KPNA7):c.832C>T (p.Gln278Ter)

Gene: KPNA7 (karyopherin subunit alpha 7; minus strand). Cytogenetic location: 7q22.1.
Variant type: single nucleotide variant.
Coding change: c.832C>T on transcript NM_001145715.3 (MANE Select); coding-DNA position 832, C replaced by T.
Protein change: p.Gln278Ter; replaces glutamine 278 with a stop codon.
Molecular consequence: nonsense.
Genome position (GRCh38, 1-based): chr7:99,188,368, G>A on the plus strand (C>T on the coding strand, the complement: KPNA7 is on the minus strand). VCF-style: chr7-99188368-G-A. GRCh37 (hg19) VCF-style: chr7-98785991-G-A.
Other names: short protein forms Q278*.
Identifiers: ClinVar variation 1007614 (VCV001007614.7), dbSNP rs1789740288, ClinGen allele CA368419706.

ClinVar aggregate classification (germline): Uncertain significance (1 of 4 stars; one submission).

Submission:

Labcorp Genetics (formerly Invitae), Labcorp
Classification: Uncertain significance. Last evaluated: 2020-07-14. Review status: criteria provided, single submitter. Criteria: Invitae Variant Classification Sherloc (09022015). Collection method: clinical testing. Allele origin: germline.
Comment: In summary, the available evidence is currently insufficient to determine the role of this variant in disease. Therefore, it has been classified as a Variant of Uncertain Significance. The current clinical and genetic evidence is not sufficient to establish whether loss-of-function variants in KPNA7 cause disease. This variant has not been reported in the literature in individuals with KPNA7-related conditions. This variant is not present in population databases (ExAC no frequency). This sequence change creates a premature translational stop signal (p.Gln278*) in the KPNA7 gene. It is expected to result in an absent or disrupted protein product.